The following is an entry in ClinVar:

NM_024426.6(WT1):c.1472G>A (p.Trp491Ter)

Gene: WT1 (WT1 transcription factor; minus strand). Cytogenetic location: 11p13.
Variant type: single nucleotide variant.
Coding change: c.1472G>A on transcript NM_024426.6 (MANE Select); coding-DNA position 1472, G replaced by A.
Protein change: p.Trp491Ter; replaces tryptophan 491 with a stop codon.
Molecular consequence: nonsense. On other transcripts: non-coding transcript variant (2).
Genome position (GRCh38, 1-based): chr11:32,389,155, C>T on the plus strand (G>A on the coding strand, the complement: WT1 is on the minus strand). VCF-style: chr11-32389155-C-T. GRCh37 (hg19) VCF-style: chr11-32410701-C-T.
Other names: c.1412G>A, p.Trp471Ter (NM_000378.6); c.812G>A, p.Trp271Ter (NM_001198551.2); c.1457G>A, p.Trp486Ter (NM_001407044.1); c.770G>A, p.Trp257Ter (NM_001198552.2); c.1421G>A, p.Trp474Ter (NM_001407045.1); c.1379G>A, p.Trp460Ter (NM_001407046.1); c.284G>A, p.Trp95Ter (NM_001367854.1); c.1340G>A, p.Trp447Ter (NM_001407047.1); and 9 more; short protein forms W237*, W257*, W271*, W398*, W401*, W415*, W418*, W433*.
Identifiers: ClinVar variation 3775917 (VCV003775917.2).

ClinVar aggregate classification (germline): Conflicting classifications of pathogenicity. Review status: criteria provided, conflicting classifications (1 of 4 stars). 2 submissions from 2 submitters: Pathogenic (1); Uncertain significance (1). Last evaluated 2026-01-24.

Conditions:
Drash syndrome (DDS). Also called: NEPHROPATHY, WILMS TUMOR, AND GENITAL ANOMALIES; WILMS TUMOR AND PSEUDO- OR TRUE HERMAPHRODITISM. Identifiers: Orphanet 220, MedGen C0950121, MONDO:0008682, OMIM 194080.
Wilms tumor 1 (WT1). Also called: Wilms tumor, somatic. Identifiers: Orphanet 654, MedGen CN033288, MONDO:0008679, OMIM 194070.
11p partial monosomy syndrome (WAGR). Also called: WAGR Complex; WAGR Spectrum Disorder; WAGR syndrome; CHROMOSOME 11p13 DELETION SYNDROME. Identifiers: Orphanet 893, MedGen C0206115, MONDO:0008681, OMIM 194072.
Frasier syndrome. Identifiers: Orphanet 347, MedGen C0950122, MeSH D052159, MONDO:0007635, OMIM 136680.
Nephrotic syndrome, type 4 (NPHS4). Also called: Familial mesangial sclerosis; Nephrotic syndrome, early onset with diffuse mesangial sclerosis. Identifiers: Orphanet 656, MedGen C3151568, MONDO:0009733, OMIM 256370.

Submissions (2):

Labcorp Genetics (formerly Invitae), Labcorp
Classification: Pathogenic for Wilms tumor 1; Drash syndrome; 11p partial monosomy syndrome; Frasier syndrome. Last evaluated: 2026-01-24. Review status: criteria provided, single submitter. Criteria: Invitae Variant Classification Sherloc (09022015). Collection method: clinical testing. Allele origin: germline.
Comment: This sequence change creates a premature translational stop signal (p.Trp486*) in the WT1 gene. While this is not anticipated to result in nonsense mediated decay, it is expected to disrupt the last 32 amino acid(s) of the WT1 protein. This variant is not present in population databases (gnomAD no frequency). This variant has not been reported in the literature in individuals affected with WT1-related conditions. ClinVar contains an entry for this variant (Variation ID: 3775917). Algorithms developed to predict the effect of sequence changes on RNA splicing suggest that this variant may disrupt the consensus splice site. This variant disrupts a region of the WT1 protein in which other variant(s) (p.Arg495Gln) have been determined to be pathogenic (PMID: 32493750; internal data). This suggests that this is a clinically significant region of the protein, and that variants that disrupt it are likely to be disease-causing. For these reasons, this variant has been classified as Pathogenic.

3billion
Classification: Uncertain significance for Nephrotic syndrome, type 4. Last evaluated: 2023-08-24. Review status: criteria provided, single submitter. Criteria: ACMG Guidelines, 2015. Collection method: clinical testing. Allele origin: germline. Affected: yes.
Comment: The variant is not observed in the gnomAD v2.1.1 dataset. Predicted Consequence/Location: Stop-gained (nonsense): predicted to result in a loss or disruption of normal protein function through protein truncation. The predicted truncated protein may be shortened by less than 10%. Therefore, this variant is classified as VUS according to the recommendation of ACMG/AMP guideline.

Literature cited by the submitters: PubMed 32493750 (cited by Labcorp Genetics (formerly Invitae), Labcorp).